The following is an entry in ClinVar:

NM_003640.5(ELP1):c.-64G>A

Gene: ELP1 (elongator acetyltransferase complex subunit 1; minus strand). Cytogenetic location: 9q31.3.
Variant type: single nucleotide variant.
Coding change: c.-64G>A on transcript NM_003640.5 (MANE Select); 64 bases upstream of the start codon, G replaced by A.
Molecular consequence: 5 prime UTR variant.
Genome position (GRCh38, 1-based): chr9:108,933,872, C>T on the plus strand (G>A on the coding strand, the complement: ELP1 is on the minus strand). VCF-style: chr9-108933872-C-T. GRCh37 (hg19) VCF-style: chr9-111696152-C-T.
Other names: c.-64G>A (LRG_251t1); c.-261G>A (NM_001318360.2); c.-923G>A (NM_001330749.2).
Identifiers: ClinVar variation 392153 (VCV000392153.2), dbSNP rs575166769, ClinGen allele CA16605459.

ClinVar aggregate classification (germline): Likely benign. Review status: criteria provided, single submitter (1 of 4 stars). 2 submissions from 2 submitters: Likely benign (1). 1 of the submissions does not count toward it. Last evaluated 2016-12-29.

Conditions:
Familial dysautonomia. Also called: FD; HSAN III. Identifiers: Orphanet 1764, MedGen C0013364, MONDO:0009131, OMIM 223900. Disease mechanism: loss of function.

Allele frequency attached by ClinVar (database versions not stated): TOPMed 0.00009; gnomAD 0.00012 and 0.00013; 1000 Genomes Project 0.00020; 1000 Genomes Project 30x 0.00031.

Submissions (2):

GeneDx
Classification: Likely benign. Last evaluated: 2016-12-29. Review status: criteria provided, single submitter. Criteria: GeneDx Variant Classification (06012015). Collection method: clinical testing. Allele origin: germline. Affected: yes.
Comment: This variant is considered likely benign or benign based on one or more of the following criteria: it is a conservative change, it occurs at a poorly conserved position in the protein, it is predicted to be benign by multiple in silico algorithms, and/or has population frequency not consistent with disease.

Natera, Inc.
Classification: Likely benign for Familial dysautonomia. Last evaluated: 2020-09-16. Review status: no assertion criteria provided. Collection method: clinical testing. Allele origin: germline. Not counted in ClinVar's aggregate classification.